The following is an entry in ClinVar:

ClinVar aggregate classification (germline): Uncertain significance (1 of 4 stars; one submission).

Conditions:
Hyperekplexia 3 (HKPX3). Also called: HYPEREKPLEXIA 3, AUTOSOMAL RECESSIVE; HYPEREKPLEXIA 3, AUTOSOMAL DOMINANT. Identifiers: Orphanet 3197, MedGen C3553288, MONDO:0013827, OMIM 614618.

Submission:

Labcorp Genetics (formerly Invitae), Labcorp
Classification: Uncertain significance for Hyperekplexia 3. Last evaluated: 2025-06-06. Review status: criteria provided, single submitter. Criteria: Invitae Variant Classification Sherloc (09022015). Collection method: clinical testing. Allele origin: germline.
Comment: This sequence change replaces glycine, which is neutral and non-polar, with alanine, which is neutral and non-polar, at codon 78 of the SLC6A5 protein (p.Gly78Ala). This variant is not present in population databases (gnomAD no frequency). This variant has not been reported in the literature in individuals affected with SLC6A5-related conditions. ClinVar contains an entry for this variant (Variation ID: 1714482). Invitae Evidence Modeling of protein sequence and biophysical properties (such as structural, functional, and spatial information, amino acid conservation, physicochemical variation, residue mobility, and thermodynamic stability) indicates that this missense variant is not expected to disrupt SLC6A5 protein function with a negative predictive value of 95%. In summary, the available evidence is currently insufficient to determine the role of this variant in disease. Therefore, it has been classified as a Variant of Uncertain Significance.

NM_004211.5(SLC6A5):c.233G>C (p.Gly78Ala)

Gene: SLC6A5 (solute carrier family 6 member 5; plus strand). Cytogenetic location: 11p15.1.
Variant type: single nucleotide variant.
Coding change: c.233G>C on transcript NM_004211.5 (MANE Select); coding-DNA position 233, G replaced by C.
Protein change: p.Gly78Ala; replaces glycine 78 with alanine.
Molecular consequence: missense variant. On other transcripts: 5 prime UTR variant (1).
Genome position (GRCh38, 1-based): chr11:20,601,358, G>C. VCF-style: chr11-20601358-G-C. GRCh37 (hg19) VCF-style: chr11-20622904-G-C.
Other names: c.-331G>C (NM_001318369.2); short protein forms G78A.
Identifiers: ClinVar variation 1714482 (VCV001714482.5), dbSNP rs1852471380, ClinGen allele CA379911579.